The following is an entry in ClinVar:

ClinVar aggregate classification (germline): Uncertain significance. Review status: criteria provided, multiple submitters, no conflicts (2 of 4 stars). 2 submissions from 2 submitters: Uncertain significance (2). Last evaluated 2026-06-01.

Allele frequency attached by ClinVar (database versions not stated): TOPMed below 0.00001; gnomAD exomes 0.00001.
gnomAD v4.1: 10 of 1,612,564 alleles (0.00062%); highest among the groups gnomAD compares: Admixed American, 0.0084%; no homozygotes.

Submissions (2):

CeGaT Center for Human Genetics Tuebingen
Classification: Uncertain significance. Last evaluated: 2026-06-01. Review status: criteria provided, single submitter. Criteria: CeGaT Center For Human Genetics Tuebingen Variant Classification Criteria Version 2. Collection method: clinical testing. Allele origin: germline. Affected: yes. Observed: 1 variant allele.
Comment: FLNB: PM2

Labcorp Genetics (formerly Invitae), Labcorp
Classification: Uncertain significance. Last evaluated: 2025-08-26. Review status: criteria provided, single submitter. Criteria: Invitae Variant Classification Sherloc (09022015). Collection method: clinical testing. Allele origin: germline.
Comment: This sequence change replaces arginine, which is basic and polar, with cysteine, which is neutral and slightly polar, at codon 1504 of the FLNB protein (p.Arg1504Cys). This variant is present in population databases (no rsID available, gnomAD 0.006%). This variant has not been reported in the literature in individuals affected with FLNB-related conditions. ClinVar contains an entry for this variant (Variation ID: 2766042). Invitae Evidence Modeling of protein sequence and biophysical properties (such as structural, functional, and spatial information, amino acid conservation, physicochemical variation, residue mobility, and thermodynamic stability) indicates that this missense variant is not expected to disrupt FLNB protein function with a negative predictive value of 95%. In summary, the available evidence is currently insufficient to determine the role of this variant in disease. Therefore, it has been classified as a Variant of Uncertain Significance.

NM_001457.4(FLNB):c.4510C>T (p.Arg1504Cys)

Gene: FLNB (filamin B; plus strand). Cytogenetic location: 3p14.3.
Variant type: single nucleotide variant.
Coding change: c.4510C>T on transcript NM_001457.4 (MANE Select); coding-DNA position 4510, C replaced by T.
Protein change: p.Arg1504Cys; replaces arginine 1504 with cysteine.
Molecular consequence: missense variant.
Genome position (GRCh38, 1-based): chr3:58,132,927, C>T. VCF-style: chr3-58132927-C-T. GRCh37 (hg19) VCF-style: chr3-58118654-C-T.
Other names: c.4603C>T, p.Arg1535Cys (NM_001164317.2); c.4510C>T, p.Arg1504Cys (NM_001164318.2, NM_001164319.2); short protein forms R1535C, R1504C.
Identifiers: ClinVar variation 2766042 (VCV002766042.5), dbSNP rs1416322993, ClinGen allele CA353351551.